The following is an entry in ClinVar:

NM_006767.4(LZTR1):c.1651T>G (p.Tyr551Asp)

Gene: LZTR1 (leucine zipper like post translational regulator 1; plus strand). Cytogenetic location: 22q11.21.
Variant type: single nucleotide variant.
Coding change: c.1651T>G on transcript NM_006767.4 (MANE Select); coding-DNA position 1651, T replaced by G.
Protein change: p.Tyr551Asp; replaces tyrosine 551 with aspartic acid.
Molecular consequence: missense variant.
Genome position (GRCh38, 1-based): chr22:20,994,593, T>G. VCF-style: chr22-20994593-T-G. GRCh37 (hg19) VCF-style: chr22-21348882-T-G.
Other names: short protein forms Y551D.
Identifiers: ClinVar variation 3238118 (VCV003238118.1), dbSNP rs2518621695.

ClinVar aggregate classification (germline): Uncertain significance (1 of 4 stars; one submission).

Conditions:
Hereditary cancer-predisposing syndrome. Also called: Neoplastic Syndromes, Hereditary; Tumor predisposition; Hereditary neoplastic syndrome; Hereditary Cancer Syndrome. Identifiers: Orphanet 140162, MedGen C0027672, MeSH D009386, MONDO:0015356.
Cardiovascular phenotype. Identifiers: MedGen CN230736.

Submission:

Ambry Genetics
Classification: Uncertain significance for Cardiovascular phenotype; Hereditary cancer-predisposing syndrome. Last evaluated: 2024-02-25. Review status: criteria provided, single submitter. Criteria: Ambry Variant Classification Scheme 2023. Collection method: clinical testing. Allele origin: germline.
Comment: The p.Y551D variant (also known as c.1651T>G), located in coding exon 15 of the LZTR1 gene, results from a T to G substitution at nucleotide position 1651. The tyrosine at codon 551 is replaced by aspartic acid, an amino acid with highly dissimilar properties. This amino acid position is conserved. In addition, this alteration is predicted to be deleterious by in silico analysis. Based on the available evidence, the clinical significance of this alteration remains unclear.